The following is an entry in ClinVar:

NM_000037.4(ANK1):c.4099G>A (p.Ala1367Thr)

Gene: ANK1 (ankyrin 1; minus strand). Cytogenetic location: 8p11.21.
Variant type: single nucleotide variant.
Coding change: c.4099G>A on transcript NM_000037.4 (MANE Select); coding-DNA position 4099, G replaced by A.
Protein change: p.Ala1367Thr; replaces alanine 1367 with threonine.
Molecular consequence: missense variant.
Genome position (GRCh38, 1-based): chr8:41,690,232, C>T on the plus strand (G>A on the coding strand, the complement: ANK1 is on the minus strand). VCF-style: chr8-41690232-C-T. GRCh37 (hg19) VCF-style: chr8-41547750-C-T.
Other names: c.4222G>A, p.Ala1408Thr (NM_001142446.2); c.4099G>A, p.Ala1367Thr (NM_020475.3, NM_020476.3, NM_020477.3); short protein forms A1408T, A1367T.
Identifiers: ClinVar variation 727064 (VCV000727064.32), dbSNP rs148620640, ClinGen allele CA4727684.
Genomic context (GRCh38, chr8:41,690,232, plus strand): 5'-ACCTCCTACAGGGAAGCCGTCTCGGGCCAAGGCTCCTCGGCAGGTGCCAGCTCACCTTGG[C>T]GCAGGGGGGCATGGTGATGTTCAGGTGGCAGAGAATGTGCTGGGTGTCCTCGTACTTCAT-3'
Protein context (NP_000028.3, residues 1357-1377): CHLNITMPPC[Ala1367Thr]KGSGAEDRRR

ClinVar aggregate classification (germline): Likely benign. Review status: criteria provided, multiple submitters, no conflicts (2 of 4 stars). 5 submissions from 5 submitters: Likely benign (5). Last evaluated 2026-02-01.

Conditions:
Inborn genetic diseases. Identifiers: MedGen C0950123, MeSH D030342.
Hereditary spherocytosis type 1. Also called: Spherocytosis type 1; ANK1-Related Spherocytosis. Identifiers: Orphanet 822, MedGen C2674218, MONDO:0008447, OMIM 182900.

Allele frequency attached by ClinVar (database versions not stated): ESP Exome Variant Server 0.00031; ExAC 0.00033; gnomAD 0.00019 and 0.00020; TOPMed 0.00020.
gnomAD v4.1: 511 of 1,614,018 alleles (0.032%); highest among the groups gnomAD compares: South Asian, 0.076%; 10 homozygotes.

Submissions (5):

CeGaT Center for Human Genetics Tuebingen
Classification: Likely benign. Last evaluated: 2026-02-01. Review status: criteria provided, single submitter. Criteria: CeGaT Center For Human Genetics Tuebingen Variant Classification Criteria Version 2. Collection method: clinical testing. Allele origin: germline. Affected: yes. Observed: 2 variant alleles.
Comment: ANK1: BP4, BS2

Labcorp Genetics (formerly Invitae), Labcorp
Classification: Likely benign. Last evaluated: 2025-10-27. Review status: criteria provided, single submitter. Criteria: Invitae Variant Classification Sherloc (09022015). Collection method: clinical testing. Allele origin: germline.

Blueprint Genetics
Classification: Likely benign. Last evaluated: 2024-11-26. Review status: criteria provided, single submitter. Criteria: ACMG Guidelines, 2015. Collection method: clinical testing. Allele origin: germline.

Ambry Genetics
Classification: Likely benign for Inborn genetic diseases. Last evaluated: 2024-05-14. Review status: criteria provided, single submitter. Criteria: Ambry Variant Classification Scheme 2023. Collection method: clinical testing. Allele origin: germline.

ARUP Laboratories, Molecular Genetics and Genomics, ARUP Laboratories
Classification: Likely benign for Hereditary spherocytosis type 1. Last evaluated: 2023-05-11. Review status: criteria provided, single submitter. Criteria: ARUP Molecular Germline Variant Investigation Process 2024. Collection method: clinical testing. Allele origin: germline.